The following is an entry in ClinVar:

ClinVar aggregate classification (germline): Benign (1 of 4 stars; one submission).

Allele frequency attached by ClinVar (database versions not stated): gnomAD 0.79091 and 0.79517; TOPMed 0.79739; 1000 Genomes Project 0.83786; 1000 Genomes Project 30x 0.83979.
gnomAD v4.1: 120,810 of 152,120 alleles (79%); highest among the groups gnomAD compares: East Asian, 91%; 48,063 homozygotes.

Submission:

GeneDx
Classification: Benign. Last evaluated: 2018-06-14. Review status: criteria provided, single submitter. Criteria: GeneDx Variant Classification (06012015). Collection method: clinical testing. Allele origin: germline. Affected: yes.
Comment: This variant is considered likely benign or benign based on one or more of the following criteria: it is a conservative change, it occurs at a poorly conserved position in the protein, it is predicted to be benign by multiple in silico algorithms, and/or has population frequency not consistent with disease.

NM_006846.4(SPINK5):c.2313+228C>T

Gene: SPINK5 (serine peptidase inhibitor Kazal type 5; plus strand). Cytogenetic location: 5q32.
Variant type: single nucleotide variant.
Coding change: c.2313+228C>T on transcript NM_006846.4 (MANE Select); 228 bases into the intron after coding-DNA position 2313, C replaced by T.
Molecular consequence: intron variant.
Genome position (GRCh38, 1-based): chr5:148,119,286, C>T. VCF-style: chr5-148119286-C-T. GRCh37 (hg19) VCF-style: chr5-147498849-C-T.
Other names: c.2313+228C>T (NM_001127698.2, NM_001127699.2).
Identifiers: ClinVar variation 677139 (VCV000677139.1), dbSNP rs6872326, ClinGen allele CA12174060.
Genomic context (GRCh38, chr5:148,119,286, plus strand): 5'-AACCTAATGCCAAGTGGACATCTTTAAGTCTGACACTTTACAAGGCATTTTTATAAATTA[C>T]AGTTTATTTAATTATTTCAACAGCCTGGTCAAATTTGGCCTTTTAACCTTATTTCGTAGA-3'